The following is an entry in ClinVar:

NM_000051.4(ATM):c.8988-8G>A

Genes: ATM (ATM serine/threonine kinase; plus strand), C11orf65 (chromosome 11 open reading frame 65; minus strand). Cytogenetic location: 11q22.3.
Variant type: single nucleotide variant.
Coding change: c.8988-8G>A on transcript NM_000051.4 (MANE Select); 8 bases into the intron before coding-DNA position 8988, G replaced by A.
Molecular consequence: intron variant.
Genome position (GRCh38, 1-based): chr11:108,365,317, G>A. VCF-style: chr11-108365317-G-A. GRCh37 (hg19) VCF-style: chr11-108236044-G-A.
Other names: c.8988-8G>A (NM_001351834.2); c.640+20603C>T (NM_001330368.2); c.694+20603C>T (NM_001351110.2).
Identifiers: ClinVar variation 512021 (VCV000512021.10), dbSNP rs1555151666, ClinGen allele CA658797738.

ClinVar aggregate classification (germline): Likely benign. Review status: criteria provided, multiple submitters, no conflicts (2 of 4 stars). 2 submissions from 2 submitters: Likely benign (2). Last evaluated 2025-12-24.

Conditions:
Ataxia-telangiectasia syndrome (AT). Also called: Cerebello-oculocutaneous telangiectasia; Immunodeficiency with ataxia telangiectasia; Ataxia-telangiectasia, complementation group E; Ataxia-telangiectasia, complementation group D; AT, COMPLEMENTATION GROUP C; ATAXIA-TELANGIECTASIA, COMPLEMENTATION GROUP A. Identifiers: Orphanet 100, MedGen C0004135, MONDO:0008840, OMIM 208900.

Allele frequency attached by ClinVar (database versions not stated): gnomAD exomes below 0.00001.
gnomAD v4.1: 1 of 1,614,152 alleles (0.000062%); highest among the groups gnomAD compares: Non-Finnish European, 0.000085%; no homozygotes.

Submissions (2):

Labcorp Genetics (formerly Invitae), Labcorp
Classification: Likely benign for Ataxia-telangiectasia syndrome. Last evaluated: 2025-12-24. Review status: criteria provided, single submitter. Criteria: Invitae Variant Classification Sherloc (09022015). Collection method: clinical testing. Allele origin: germline.

GeneDx
Classification: Likely benign. Last evaluated: 2017-09-14. Review status: criteria provided, single submitter. Criteria: GeneDx Variant Classification (06012015). Collection method: clinical testing. Allele origin: germline. Affected: yes.
Comment: This variant is considered likely benign or benign based on one or more of the following criteria: it is a conservative change, it occurs at a poorly conserved position in the protein, it is predicted to be benign by multiple in silico algorithms, and/or has population frequency not consistent with disease.